The following is an entry in ClinVar:

ClinVar aggregate classification (germline): Uncertain significance. Review status: criteria provided, multiple submitters, no conflicts (2 of 4 stars). 2 submissions from 2 submitters: Uncertain significance (2). Last evaluated 2025-05-22.

Conditions:
Pulmonary fibrosis and/or bone marrow failure, Telomere-related, 3. Also called: PULMONARY FIBROSIS AND/OR BONE MARROW FAILURE SYNDROME, TELOMERE-RELATED, 3. Identifiers: Orphanet 2032, MedGen C4225346, MONDO:0014613, OMIM 616373.
Dyskeratosis congenita, autosomal recessive 5 (DKCB5). Identifiers: MedGen C3554656, MONDO:0014076, OMIM 615190.
Inborn genetic diseases. Identifiers: MedGen C0950123, MeSH D030342.

Submissions (2):

Labcorp Genetics (formerly Invitae), Labcorp
Classification: Uncertain significance for Dyskeratosis congenita, autosomal recessive 5; Pulmonary fibrosis and/or bone marrow failure, Telomere-related, 3. Last evaluated: 2025-05-22. Review status: criteria provided, single submitter. Criteria: Invitae Variant Classification Sherloc (09022015). Collection method: clinical testing. Allele origin: germline.
Comment: This sequence change replaces proline, which is neutral and non-polar, with serine, which is neutral and polar, at codon 757 of the RTEL1 protein (p.Pro757Ser). This variant is not present in population databases (gnomAD no frequency). This variant has not been reported in the literature in individuals affected with RTEL1-related conditions. ClinVar contains an entry for this variant (Variation ID: 3435923). An algorithm developed to predict the effect of missense changes on protein structure and function (PolyPhen-2) suggests that this variant is likely to be disruptive. In summary, the available evidence is currently insufficient to determine the role of this variant in disease. Therefore, it has been classified as a Variant of Uncertain Significance.

Ambry Genetics
Classification: Uncertain significance for Inborn genetic diseases. Last evaluated: 2024-10-27. Review status: criteria provided, single submitter. Criteria: Ambry Variant Classification Scheme 2023. Collection method: clinical testing. Allele origin: germline.
Comment: The p.P781S variant (also known as c.2341C>T), located in coding exon 25 of the RTEL1 gene, results from a C to T substitution at nucleotide position 2341. The proline at codon 781 is replaced by serine, an amino acid with similar properties. This amino acid position is conserved. In addition, this alteration is predicted to be tolerated by in silico analysis. Based on the available evidence, the clinical significance of this variant remains unclear.

NM_001283009.2(RTEL1):c.2269C>T (p.Pro757Ser)

Genes: RTEL1 (regulator of telomere elongation helicase 1; plus strand), RTEL1-TNFRSF6B (RTEL1-TNFRSF6B readthrough (NMD candidate); plus strand). Cytogenetic location: 20q13.33.
Variant type: single nucleotide variant.
Coding change: c.2269C>T on transcript NM_001283009.2 (MANE Select); coding-DNA position 2269, C replaced by T.
Protein change: p.Pro757Ser; replaces proline 757 with serine.
Molecular consequence: missense variant. On other transcripts: non-coding transcript variant (1).
Genome position (GRCh38, 1-based): chr20:63,690,297, C>T. VCF-style: chr20-63690297-C-T. GRCh37 (hg19) VCF-style: chr20-62321650-C-T.
Other names: c.1600C>T, p.Pro534Ser (NM_001283010.1); c.2269C>T, p.Pro757Ser (NM_016434.4); c.2341C>T, p.Pro781Ser (NM_032957.5); short protein forms P534S, P781S, P757S.
Identifiers: ClinVar variation 3435923 (VCV003435923.2).